The following is an entry in ClinVar:

ClinVar aggregate classification (germline): Uncertain significance. Review status: criteria provided, multiple submitters, no conflicts (2 of 4 stars). 2 submissions from 2 submitters: Uncertain significance (2). Last evaluated 2025-01-23.

Conditions:
T-B+ severe combined immunodeficiency due to JAK3 deficiency. Also called: SCID, T CELL-NEGATIVE, B CELL-POSITIVE, NK CELL-NEGATIVE; SCID, autosomal recessive, T-negative/B-positive type. Identifiers: Orphanet 35078, MedGen C1833275, MONDO:0010938, OMIM 600802.
Inborn genetic diseases. Identifiers: MedGen C0950123, MeSH D030342.

Allele frequency attached by ClinVar (database versions not stated): gnomAD exomes 0.00002.
gnomAD v4.1: 3 of 1,574,682 alleles (0.00019%); highest among the groups gnomAD compares: Admixed American, 0.0056%; no homozygotes.

Submissions (2):

Ambry Genetics
Classification: Uncertain significance for Inborn genetic diseases. Last evaluated: 2025-01-23. Review status: criteria provided, single submitter. Criteria: Ambry Variant Classification Scheme 2023. Collection method: clinical testing. Allele origin: germline.

Labcorp Genetics (formerly Invitae), Labcorp
Classification: Uncertain significance for T-B+ severe combined immunodeficiency due to JAK3 deficiency. Last evaluated: 2021-08-27. Review status: criteria provided, single submitter. Criteria: Invitae Variant Classification Sherloc (09022015). Collection method: clinical testing. Allele origin: germline.
Comment: This sequence change replaces leucine with isoleucine at codon 344 of the JAK3 protein (p.Leu344Ile). The leucine residue is highly conserved and there is a small physicochemical difference between leucine and isoleucine. This variant is not present in population databases (ExAC no frequency). This variant has not been reported in the literature in individuals affected with JAK3-related conditions. Algorithms developed to predict the effect of missense changes on protein structure and function are either unavailable or do not agree on the potential impact of this missense change (SIFT: "Tolerated"; PolyPhen-2: "Probably Damaging"; Align-GVGD: "Class C0"). In summary, the available evidence is currently insufficient to determine the role of this variant in disease. Therefore, it has been classified as a Variant of Uncertain Significance.

NM_000215.4(JAK3):c.1030C>A (p.Leu344Ile)

Gene: JAK3 (Janus kinase 3; minus strand). Cytogenetic location: 19p13.11.
Variant type: single nucleotide variant.
Coding change: c.1030C>A on transcript NM_000215.4 (MANE Select); coding-DNA position 1030, C replaced by A.
Protein change: p.Leu344Ile; replaces leucine 344 with isoleucine.
Molecular consequence: missense variant.
Genome position (GRCh38, 1-based): chr19:17,841,501, G>T on the plus strand (C>A on the coding strand, the complement: JAK3 is on the minus strand). VCF-style: chr19-17841501-G-T. GRCh37 (hg19) VCF-style: chr19-17952310-G-T.
Other names: short protein forms L344I.
Identifiers: ClinVar variation 643381 (VCV000643381.7), dbSNP rs1309733826, ClinGen allele CA404771604.
Genomic context (GRCh38, chr19:17,841,501, plus strand): 5'-CCACCTCCTTGCAGAAGAAGTGCTGGGAGTCCGTGGTCAGCCGGAAGTAGCCGTCCACGA[G>T]CGCCACGAACGACAGAGCCTCGGGCAGCCCTGGGAACTCGGCCTCCTGCGAGGGACAAGC-3'
Protein context (NP_000206.2, residues 334-354): GLPEALSFVA[Leu344Ile]VDGYFRLTTD